The following is an entry in ClinVar:

NM_007144.3(PCGF2):c.1016C>T (p.Pro339Leu)

Genes: CISD3 (CDGSH iron sulfur domain 3; plus strand), PCGF2 (polycomb group ring finger 2; minus strand). Cytogenetic location: 17q12.
Variant type: single nucleotide variant.
Coding change: c.1016C>T on transcript NM_007144.3 (MANE Select); coding-DNA position 1016, C replaced by T.
Protein change: p.Pro339Leu; replaces proline 339 with leucine.
Molecular consequence: missense variant. On other transcripts: 3 prime UTR variant (1).
Genome position (GRCh38, 1-based): chr17:38,735,242, G>A on the plus strand (C>T on the coding strand, the complement: PCGF2 is on the minus strand). VCF-style: chr17-38735242-G-A. GRCh37 (hg19) VCF-style: chr17-36891495-G-A.
Other names: c.*1787G>A (NM_001136498.2); c.1016C>T, p.Pro339Leu (NM_001369614.1, NM_001369615.1); c.1016C>T (NM_007144.2); short protein forms P339L.
Identifiers: ClinVar variation 1902857 (VCV001902857.6), dbSNP rs760680898, ClinGen allele CA8524840.

ClinVar aggregate classification (germline): Uncertain significance. Review status: criteria provided, multiple submitters, no conflicts (2 of 4 stars). 2 submissions from 2 submitters: Uncertain significance (2). Last evaluated 2025-01-29.

Conditions:
Inborn genetic diseases. Identifiers: MedGen C0950123, MeSH D030342.

Allele frequency attached by ClinVar (database versions not stated): TOPMed 0.00002; gnomAD 0.00003; ExAC 0.00015.
gnomAD v4.1: 64 of 1,445,602 alleles (0.0044%); highest among the groups gnomAD compares: Non-Finnish European, 0.0059%; no homozygotes.

Submissions (2):

Ambry Genetics
Classification: Uncertain significance for Inborn genetic diseases. Last evaluated: 2025-01-29. Review status: criteria provided, single submitter. Criteria: Ambry Variant Classification Scheme 2023. Collection method: clinical testing. Allele origin: germline.

Labcorp Genetics (formerly Invitae), Labcorp
Classification: Uncertain significance. Last evaluated: 2022-10-25. Review status: criteria provided, single submitter. Criteria: Invitae Variant Classification Sherloc (09022015). Collection method: clinical testing. Allele origin: germline.
Comment: This sequence change replaces proline, which is neutral and non-polar, with leucine, which is neutral and non-polar, at codon 339 of the PCGF2 protein (p.Pro339Leu). This variant is present in population databases (rs760680898, gnomAD 0.003%). This variant has not been reported in the literature in individuals affected with PCGF2-related conditions. Algorithms developed to predict the effect of missense changes on protein structure and function are either unavailable or do not agree on the potential impact of this missense change (SIFT: "Deleterious"; PolyPhen-2: "Benign"; Align-GVGD: "Class C0"). In summary, the available evidence is currently insufficient to determine the role of this variant in disease. Therefore, it has been classified as a Variant of Uncertain Significance.